The following is an entry in ClinVar:

ClinVar aggregate classification (germline): Uncertain significance. Review status: criteria provided, multiple submitters, no conflicts (2 of 4 stars). 2 submissions from 2 submitters: Uncertain significance (2). Last evaluated 2022-03-18.

Conditions:
Mesothelioma, malignant (MESOM). Also called: Malignant mesothelioma (disease). Identifiers: Orphanet 50251, MedGen C0345967, MONDO:0006292, OMIM 156240, HP:0100001.
Immunodeficiency 37 (IMD37). Identifiers: MedGen C4015195, MONDO:0014491, OMIM 616098.
Germ cell tumor of testis (TGCT). Also called: Testicular germ cell tumor; GERM CELL TUMOR, SOMATIC. Identifiers: Orphanet 363504, MedGen C1336708, MONDO:0010108, OMIM 273300.
Lymphoma, non-Hodgkin, familial. Identifiers: MedGen C4721532, MONDO:0011508, OMIM 605027.
Mucosa-associated lymphoma. Also called: MALT LYMPHOMA, SOMATIC; MALT lymphoma. Identifiers: Orphanet 52417, MedGen C0242647, MONDO:0007650, OMIM 137245.

Allele frequency attached by ClinVar (database versions not stated): gnomAD 0.00003 and 0.00004; gnomAD exomes 0.00003 and 0.00004; TOPMed 0.00003; ExAC 0.00005; ESP Exome Variant Server 0.00008.

Submissions (2):

Fulgent Genetics
Classification: Uncertain significance for Mucosa-associated lymphoma; Mesothelioma, malignant; Germ cell tumor of testis; Lymphoma, non-Hodgkin, familial; Immunodeficiency 37. Last evaluated: 2022-03-18. Review status: criteria provided, single submitter. Criteria: ACMG Guidelines, 2015. Collection method: clinical testing. Allele origin: unknown.

Labcorp Genetics (formerly Invitae), Labcorp
Classification: Uncertain significance for Immunodeficiency 37. Last evaluated: 2021-07-31. Review status: criteria provided, single submitter. Criteria: Invitae Variant Classification Sherloc (09022015). Collection method: clinical testing. Allele origin: germline.
Comment: This sequence change results in a premature translational stop signal in the BCL10 gene (p.Arg232*). While this is not anticipated to result in nonsense mediated decay, it is expected to disrupt the last 2 amino acids of the BCL10 protein. This variant is present in population databases (rs376302558, ExAC 0.03%). This variant has not been reported in the literature in individuals with BCL10-related disease. In summary, the available evidence is currently insufficient to determine the role of this variant in disease. Therefore, it has been classified as a Variant of Uncertain Significance.

NM_003921.5(BCL10):c.694C>T (p.Arg232Ter)

Gene: BCL10 (BCL10 immune signaling adaptor; minus strand). Cytogenetic location: 1p22.3.
Variant type: single nucleotide variant.
Coding change: c.694C>T on transcript NM_003921.5 (MANE Select); coding-DNA position 694, C replaced by T.
Protein change: p.Arg232Ter; replaces arginine 232 with a stop codon.
Molecular consequence: nonsense.
Genome position (GRCh38, 1-based): chr1:85,267,635, G>A on the plus strand (C>T on the coding strand, the complement: BCL10 is on the minus strand). VCF-style: chr1-85267635-G-A. GRCh37 (hg19) VCF-style: chr1-85733318-G-A.
Other names: c.694C>T, p.Arg232Ter (LRG_1210t1); c.661C>T, p.Arg221Ter (NM_001320715.2); short protein forms R221*, R232*.
Identifiers: ClinVar variation 652565 (VCV000652565.5), dbSNP rs376302558, ClinGen allele CA929716.